The following is an entry in ClinVar:

NM_000179.3(MSH6):c.2730C>T (p.Asn910=)

Gene: MSH6 (mutS homolog 6; plus strand). Cytogenetic location: 2p16.3.
Variant type: single nucleotide variant.
Coding change: c.2730C>T on transcript NM_000179.3 (MANE Select); coding-DNA position 2730, C replaced by T.
Protein change: p.Asn910=; no amino-acid change (asparagine 910 retained).
Molecular consequence: synonymous variant.
Genome position (GRCh38, 1-based): chr2:47,800,713, C>T. VCF-style: chr2-47800713-C-T. GRCh37 (hg19) VCF-style: chr2-48027852-C-T.
Other names: c.2340C>T, p.Asn780= (NM_001281492.2); c.1824C>T, p.Asn608= (NM_001281493.2, NM_001281494.2).
Identifiers: ClinVar variation 525926 (VCV000525926.21), dbSNP rs773837927, ClinGen allele CA069552.

ClinVar aggregate classification (germline): Benign/Likely benign. Review status: criteria provided, multiple submitters, no conflicts (2 of 4 stars). 6 submissions from 6 submitters: Benign (1); Likely benign (5). Last evaluated 2025-06-22.

Conditions:
Hereditary nonpolyposis colorectal neoplasms. Identifiers: MedGen C0009405, MeSH D003123.
Hereditary cancer-predisposing syndrome. Also called: Neoplastic Syndromes, Hereditary; Tumor predisposition; Hereditary Cancer Syndrome; Hereditary neoplastic syndrome. Identifiers: Orphanet 140162, MedGen C0027672, MeSH D009386, MONDO:0015356.
Lynch syndrome 5 (LYNCH5). Also called: Colorectal cancer, hereditary nonpolyposis, type 5; Hereditary non-polyposis colorectal cancer, type 5. Identifiers: Orphanet 144, MedGen C1833477, MONDO:0013710, OMIM 614350. Disease mechanism: loss of function.
Lynch syndrome. Identifiers: Orphanet 144, MedGen C4552100, MONDO:0005835. Disease mechanism: loss of function.

Allele frequency attached by ClinVar (database versions not stated): gnomAD 0.00001; gnomAD exomes 0.00001; TOPMed 0.00001; ExAC 0.00002.
gnomAD v4.1: 7 of 1,613,974 alleles (0.00043%); highest among the groups gnomAD compares: Admixed American, 0.0083%; no homozygotes.

Submissions (6):

Labcorp Genetics (formerly Invitae), Labcorp
Classification: Likely benign for Hereditary nonpolyposis colorectal neoplasms. Last evaluated: 2025-06-22. Review status: criteria provided, single submitter. Criteria: Invitae Variant Classification Sherloc (09022015). Collection method: clinical testing. Allele origin: germline.

Myriad Genetics, Inc.
Classification: Benign for Lynch syndrome 5. Last evaluated: 2025-01-02. Review status: criteria provided, single submitter. Criteria: Myriad Autosomal Dominant, Autosomal Recessive and X-Linked Classification Criteria (2023). Collection method: clinical testing. Allele origin: unknown.
Comment: This variant is considered benign. This variant is a silent/synonymous amino acid change and it is not expected to impact splicing.

All of Us Research Program, National Institutes of Health
Classification: Likely benign for Lynch syndrome. Last evaluated: 2023-10-27. Review status: criteria provided, single submitter. Criteria: ACMG Guidelines, 2015. Collection method: clinical testing. Allele origin: germline. Inheritance: Autosomal dominant inheritance. Observed: 1 variant allele, 1 heterozygote.
Comment: This study involves interpretation of variants in research participants for the purpose of population health screening. Participant phenotype was not available at the time of variant classification. Additional details can be found in publication PMID: 35346344, PMCID: PMC8962531

Quest Diagnostics Nichols Institute San Juan Capistrano
Classification: Likely benign. Last evaluated: 2020-07-30. Review status: criteria provided, single submitter. Criteria: Quest Diagnostics criteria. Collection method: clinical testing. Allele origin: unknown.

Color Diagnostics, LLC DBA Color Health
Classification: Likely benign for Hereditary cancer-predisposing syndrome. Last evaluated: 2018-08-17. Review status: criteria provided, single submitter. Criteria: ACMG Guidelines, 2015. Collection method: clinical testing. Allele origin: germline.

Ambry Genetics
Classification: Likely benign for Hereditary cancer-predisposing syndrome. Last evaluated: 2018-03-27. Review status: criteria provided, single submitter. Criteria: Ambry Variant Classification Scheme 2023. Collection method: clinical testing. Allele origin: germline.